The following is an entry in ClinVar:

NM_001367534.1(CAMK2G):c.1331T>C (p.Met444Thr)

Gene: CAMK2G (calcium/calmodulin dependent protein kinase II gamma; minus strand). Cytogenetic location: 10q22.2.
Variant type: single nucleotide variant.
Coding change: c.1331T>C on transcript NM_001367534.1 (MANE Select); coding-DNA position 1331, T replaced by C.
Protein change: p.Met444Thr; replaces methionine 444 with threonine.
Molecular consequence: missense variant. On other transcripts: non-coding transcript variant (4), intron variant (19).
Genome position (GRCh38, 1-based): chr10:73,819,564, A>G on the plus strand (T>C on the coding strand, the complement: CAMK2G is on the minus strand). VCF-style: chr10-73819564-A-G. GRCh37 (hg19) VCF-style: chr10-75579322-A-G.
Other names: c.1262T>C, p.Met421Thr (NM_001320898.2, NM_001367546.1, NM_001367547.1); c.1211T>C, p.Met404Thr (NM_001367514.1, NM_001367525.1); c.1199T>C, p.Met400Thr (NM_001367518.1, NM_001367522.1); c.1193T>C, p.Met398Thr (NM_001367520.1, NM_001367533.1); c.1016T>C, p.Met339Thr (NM_001367524.1); c.1235T>C, p.Met412Thr (NM_001367526.1, NM_172171.3); c.1229T>C, p.Met410Thr (NM_001367527.1); c.1166T>C, p.Met389Thr (NM_001367528.1, NM_001367545.1); and 18 more; short protein forms M285T, M412T, M421T, C403R, M182T, M398T, M404T, M330T.
Identifiers: ClinVar variation 4723243 (VCV004723243.1).

ClinVar aggregate classification (germline): Uncertain significance (1 of 4 stars; one submission).

Submission:

Labcorp Genetics (formerly Invitae), Labcorp
Classification: Uncertain significance. Last evaluated: 2025-07-31. Review status: criteria provided, single submitter. Criteria: Invitae Variant Classification Sherloc (09022015). Collection method: clinical testing. Allele origin: germline.
Comment: This sequence change replaces methionine, which is neutral and non-polar, with threonine, which is neutral and polar, at codon 412 of the CAMK2G protein (p.Met412Thr). This variant is not present in population databases (gnomAD no frequency). This variant has not been reported in the literature in individuals affected with CAMK2G-related conditions. An algorithm developed to predict the effect of missense changes on protein structure and function (PolyPhen-2) suggests that this variant is likely to be tolerated. In summary, the available evidence is currently insufficient to determine the role of this variant in disease. Therefore, it has been classified as a Variant of Uncertain Significance.